The following is an entry in ClinVar:

ClinVar aggregate classification (germline): Benign/Likely benign. Review status: criteria provided, multiple submitters, no conflicts (2 of 4 stars). 5 submissions from 5 submitters: Benign (3); Likely benign (2). Last evaluated 2026-02-03.

Conditions:
Intellectual disability, autosomal dominant 14 (CSS2). Also called: COFFIN-SIRIS SYNDROME 2. Identifiers: Orphanet 1465, MedGen C3553247, MONDO:0013819, OMIM 614607.

Allele frequency attached by ClinVar (database versions not stated): 1000 Genomes Project 0.00020; gnomAD 0.00026; gnomAD exomes 0.00033; TOPMed 0.00045; 1000 Genomes Project 30x 0.00047.
gnomAD v4.1: 103 of 1,381,866 alleles (0.0075%); highest among the groups gnomAD compares: African/African-American, 0.1%; no homozygotes.

Submissions (5):

Labcorp Genetics (formerly Invitae), Labcorp
Classification: Benign. Last evaluated: 2026-02-03. Review status: criteria provided, single submitter. Criteria: Invitae Variant Classification Sherloc (09022015). Collection method: clinical testing. Allele origin: germline.

CeGaT Center for Human Genetics Tuebingen
Classification: Likely benign. Last evaluated: 2026-01-01. Review status: criteria provided, single submitter. Criteria: CeGaT Center For Human Genetics Tuebingen Variant Classification Criteria Version 2. Collection method: clinical testing. Allele origin: germline. Affected: yes. Observed: 1 variant allele.
Comment: ARID1A: BP4, BP7

Blueprint Genetics
Classification: Likely benign. Last evaluated: 2023-09-13. Review status: criteria provided, single submitter. Criteria: ACMG Guidelines, 2015. Collection method: clinical testing. Allele origin: germline.

Genome-Nilou Lab
Classification: Benign for Intellectual disability, autosomal dominant 14. Last evaluated: 2021-12-05. Review status: criteria provided, single submitter. Criteria: ACMG Guidelines, 2015. Collection method: clinical testing. Allele origin: germline. Affected: no.

GeneDx
Classification: Benign. Last evaluated: 2020-02-28. Review status: criteria provided, single submitter. Criteria: GeneDx Variant Classification Process June 2021. Collection method: clinical testing. Allele origin: germline. Affected: yes.

NM_006015.6(ARID1A):c.1131C>T (p.Thr377=)

Genes: ARID1A (AT-rich interaction domain 1A; plus strand), LOC129929837 (ATAC-STARR-seq lymphoblastoid silent region 489; plus strand). Cytogenetic location: 1p36.11.
Variant type: single nucleotide variant.
Coding change: c.1131C>T on transcript NM_006015.6 (MANE Select); coding-DNA position 1131, C replaced by T.
Protein change: p.Thr377=; no amino-acid change (threonine 377 retained).
Molecular consequence: synonymous variant.
Genome position (GRCh38, 1-based): chr1:26,697,534, C>T. VCF-style: chr1-26697534-C-T. GRCh37 (hg19) VCF-style: chr1-27024025-C-T.
Other names: c.1131C>T, p.Thr377= (NM_139135.4).
Identifiers: ClinVar variation 716185 (VCV000716185.17), dbSNP rs532591067, ClinGen allele CA19642081.